The following is an entry in ClinVar:

ClinVar aggregate classification (germline): Likely pathogenic (1 of 4 stars; one submission).

Conditions:
Hereditary breast ovarian cancer syndrome. Also called: Hereditary breast and ovarian cancer syndrome (HBOC); Breast and ovarian cancer; Hereditary breast and ovarian cancer; Hereditary breast and ovarian cancer syndrome; BRCA1- and BRCA2-Associated Hereditary Breast and Ovarian Cancer; Hereditary breast and/or ovarian cancer syndrome. Identifiers: Orphanet 145, MedGen C0677776, MeSH D061325, MONDO:0003582. Disease mechanism: loss of function.

Submission:

Women's Health and Genetics/Laboratory Corporation of America, LabCorp
Classification: Likely pathogenic for Hereditary breast ovarian cancer syndrome. Last evaluated: 2023-12-15. Review status: criteria provided, single submitter. Criteria: LabCorp Variant Classification Summary - May 2015. Collection method: clinical testing. Allele origin: germline.
Comment: Variant summary: The variant involves the deletion of exon 8 and part of exon 7 in the BRCA1 gene. This CNV spans a canonical splice-site and is therefore predicted to result in loss-of-function. A presumed nomenclature of c.508_(593+1_594-1)del has been designated for the purposes of this classification. The variant was absent in 21694 control chromosomes (gnomAD). To our knowledge, no occurrence of c.508_(593+1_594-1)del in individuals affected with Hereditary Breast And Ovarian Cancer Syndrome and no experimental evidence demonstrating its impact on protein function have been reported. No submitters have cited clinical-significance assessments for this variant to ClinVar after 2014. Based on the evidence outlined above, the variant was classified as likely pathogenic.

NC_000017.10:g.(41247940_41249260)_41251831del

Gene: BRCA1 (BRCA1 DNA repair associated; minus strand). Cytogenetic location: 17q21.31.
Variant type: Deletion.
Identifiers: ClinVar variation 2691287 (VCV002691287.1).